The following is an entry in ClinVar:

ClinVar aggregate classification (germline): Uncertain significance (1 of 4 stars; one submission).

gnomAD v4.1: 1 of 1,516,900 alleles (0.000066%); highest among the groups gnomAD compares: Middle Eastern, 0.017%; no homozygotes.

Submission:

GeneDx
Classification: Uncertain significance. Last evaluated: 2025-07-21. Review status: criteria provided, single submitter. Criteria: GeneDx Variant Classification Process June 2021. Collection method: clinical testing. Allele origin: germline. Affected: yes.
Comment: Not observed at significant frequency in large population cohorts (gnomAD); In silico analysis suggests that this missense variant does not alter protein structure/function; Has not been previously published as pathogenic or benign to our knowledge

NM_000297.4(PKD2):c.270T>G (p.Asp90Glu)

Genes: PKD2 (polycystin 2, transient receptor potential cation channel; plus strand), LOC129992813 (ATAC-STARR-seq lymphoblastoid silent region 15559; plus strand). Cytogenetic location: 4q22.1.
Variant type: single nucleotide variant.
Coding change: c.270T>G on transcript NM_000297.4 (MANE Select); coding-DNA position 270, T replaced by G.
Protein change: p.Asp90Glu; replaces aspartic acid 90 with glutamic acid.
Molecular consequence: missense variant. On other transcripts: non-coding transcript variant (1).
Genome position (GRCh38, 1-based): chr4:88,008,003, T>G. VCF-style: chr4-88008003-T-G. GRCh37 (hg19) VCF-style: chr4-88929155-T-G.
Other names: c.270T>G, p.Asp90Glu (NM_001440544.1); short protein forms D90E.
Identifiers: ClinVar variation 4687003 (VCV004687003.1).